The following is an entry in ClinVar:

NM_000138.5(FBN1):c.7988G>C (p.Cys2663Ser)

Gene: FBN1 (fibrillin 1; minus strand). Cytogenetic location: 15q21.1.
Variant type: single nucleotide variant.
Coding change: c.7988G>C on transcript NM_000138.5 (MANE Select); coding-DNA position 7988, G replaced by C.
Protein change: p.Cys2663Ser; replaces cysteine 2663 with serine.
Molecular consequence: missense variant.
Genome position (GRCh38, 1-based): chr15:48,415,599, C>G on the plus strand (G>C on the coding strand, the complement: FBN1 is on the minus strand). VCF-style: chr15-48415599-C-G. GRCh37 (hg19) VCF-style: chr15-48707796-C-G.
Other names: short protein forms C2663S.
Identifiers: ClinVar variation 971524 (VCV000971524.10), dbSNP rs1597509631, ClinGen allele CA392322773.
Genomic context (GRCh38, chr15:48,415,599, plus strand): 5'-TGGCCTATGCGGAAGTAACCAGGTGGACAGCCACACAGGTAACCGCCCTCGGTATTGGAA[C>G]AGCCATAGCTGCAGGGGGCCTGCGCAGAGCCACATTCATTGATGTCTTGGCATCCTCCAC-3'
Protein context (NP_000129.3, residues 2653-2673): GSAQAPCSYG[Cys2663Ser]SNTEGGYLCG

ClinVar aggregate classification (germline): Pathogenic. Review status: criteria provided, single submitter (1 of 4 stars). 2 submissions from 2 submitters: Pathogenic (1). 1 of the submissions does not count toward it. Last evaluated 2019-11-12.

Conditions:
Marfan syndrome (MFS). Also called: FBN1-Related Marfan Syndrome; MARFAN SYNDROME, TYPE I; Marfan syndrome type 1; Marfan's syndrome; Marfan syndrome, classic. Identifiers: Orphanet 284963, Orphanet 558, MedGen C0024796, MONDO:0007947, OMIM 154700.
Familial thoracic aortic aneurysm and aortic dissection (TAAD). Also called: Thoracic aortic aneurysms and dissections. Identifiers: Orphanet 91387, MedGen C4707243, MONDO:0019625.

Submissions (2):

Labcorp Genetics (formerly Invitae), Labcorp
Classification: Pathogenic for Marfan syndrome; Familial thoracic aortic aneurysm and aortic dissection. Last evaluated: 2019-11-12. Review status: criteria provided, single submitter. Criteria: Invitae Variant Classification Sherloc (09022015). Collection method: clinical testing. Allele origin: germline.
Comment: This variant disrupts the p.Cys2663 amino acid residue in FBN1. Other variant(s) that disrupt this residue have been observed in individuals with FBN1-related conditions (PMID: 28855619, 26787436), which suggests that this may be a clinically significant amino acid residue. For these reasons, this variant has been classified as Pathogenic. This variant affects a cysteine residue in the EGF-like, TGFBP or hybrid motif domains of FBN1. Cysteine residues are believed to be involved in intramolecular disulfide bridges and have been shown to be important for FBN1 protein structure (PMID: 16905551, 19349279). In addition, missense substitutions affecting cysteine residues within these domains are significantly overrepresented among patients with Marfan syndrome (PMID: 16571647, 17701892). Algorithms developed to predict the effect of missense changes on protein structure and function are either unavailable or do not agree on the potential impact of this missense change (SIFT: "Deleterious"; PolyPhen-2: "Probably Damaging"; Align-GVGD: "Class C0"). This variant has been observed in individual(s) with Marfan syndrome (PMID: 15221638). This variant is not present in population databases (ExAC no frequency). This sequence change replaces cysteine with serine at codon 2663 of the FBN1 protein (p.Cys2663Ser). The cysteine residue is highly conserved and there is a moderate physicochemical difference between cysteine and serine.

Heart Medical Centre, First Affiliated Hospital  of Gannan Medical University
Classification: Pathogenic for Marfan syndrome. Last evaluated: 2021-12-28. Review status: no assertion criteria provided. Collection method: clinical testing. Allele origin: unknown. Affected: yes. Not counted in ClinVar's aggregate classification.

Literature cited by the submitters: PubMed 28855619 (cited by Labcorp Genetics (formerly Invitae), Labcorp); PubMed 26787436 (cited by Labcorp Genetics (formerly Invitae), Labcorp); PubMed 16905551 (cited by Labcorp Genetics (formerly Invitae), Labcorp); PubMed 19349279 (cited by Labcorp Genetics (formerly Invitae), Labcorp); PubMed 16571647 (cited by Labcorp Genetics (formerly Invitae), Labcorp); PubMed 17701892 (cited by Labcorp Genetics (formerly Invitae), Labcorp); PubMed 15221638 (cited by Labcorp Genetics (formerly Invitae), Labcorp).